The following is an entry in ClinVar:

ClinVar aggregate classification (germline): Likely pathogenic (1 of 4 stars; one submission).

Submission:

CeGaT Center for Human Genetics Tuebingen
Classification: Likely pathogenic. Last evaluated: 2023-04-01. Review status: criteria provided, single submitter. Criteria: CeGaT Center For Human Genetics Tuebingen Variant Classification Criteria Version 2. Collection method: clinical testing. Allele origin: germline. Affected: yes. Observed: 2 variant alleles.
Comment: CYBB: PM1, PM2, PP3, PP4, PS4:Supporting

NM_000397.4(CYBB):c.1226C>A (p.Ala409Glu)

Gene: CYBB (cytochrome b-245 beta chain; plus strand). Cytogenetic location: Xp11.4.
Variant type: single nucleotide variant.
Coding change: c.1226C>A on transcript NM_000397.4 (MANE Select); coding-DNA position 1226, C replaced by A.
Protein change: p.Ala409Glu; replaces alanine 409 with glutamic acid.
Molecular consequence: missense variant.
Genome position (GRCh38, 1-based): chrX:37,805,080, C>A. VCF-style: chrX-37805080-C-A. GRCh37 (hg19) VCF-style: chrX-37664333-C-A.
Other names: short protein forms A409E.
Identifiers: ClinVar variation 2571361 (VCV002571361.27), dbSNP rs2519209810, ClinGen allele CA412977768.